The following is an entry in ClinVar:

NM_015213.4(DENND5A):c.1672-7C>T

Gene: DENND5A (DENN domain containing 5A; minus strand). Cytogenetic location: 11p15.4.
Variant type: single nucleotide variant.
Coding change: c.1672-7C>T on transcript NM_015213.4 (MANE Select); 7 bases into the intron before coding-DNA position 1672, C replaced by T.
Molecular consequence: intron variant.
Genome position (GRCh38, 1-based): chr11:9,178,373, G>A on the plus strand (C>T on the coding strand, the complement: DENND5A is on the minus strand). VCF-style: chr11-9178373-G-A. GRCh37 (hg19) VCF-style: chr11-9199920-G-A.
Other names: c.1600-7C>T (NM_001348749.2); c.1672-7C>T (NM_001243254.2, NM_015213.3); c.1384-7C>T (NM_001348750.2).
Identifiers: ClinVar variation 806618 (VCV000806618.49), dbSNP rs186340672, ClinGen allele CA5877536.

ClinVar aggregate classification (germline): Benign/Likely benign. Review status: criteria provided, multiple submitters, no conflicts (2 of 4 stars). 4 submissions from 4 submitters: Benign (1); Likely benign (2). 1 of the submissions does not count toward it. Last evaluated 2026-01-19.

Conditions:
DENND5A-related disorder. Also called: DENND5A-related condition.

Allele frequency attached by ClinVar (database versions not stated): 1000 Genomes Project 30x 0.00094; 1000 Genomes Project 0.00100; TOPMed 0.00202; gnomAD 0.00209 and 0.00213; ExAC 0.00235; gnomAD exomes 0.00245 and 0.00278; ESP Exome Variant Server 0.00262.
gnomAD v4.1: 4,251 of 1,566,560 alleles (0.27%); highest among the groups gnomAD compares: Non-Finnish European, 0.3%; 13 homozygotes.

Submissions (4):

Labcorp Genetics (formerly Invitae), Labcorp
Classification: Benign. Last evaluated: 2026-01-19. Review status: criteria provided, single submitter. Criteria: Invitae Variant Classification Sherloc (09022015). Collection method: clinical testing. Allele origin: germline.

CeGaT Center for Human Genetics Tuebingen
Classification: Likely benign. Last evaluated: 2025-12-01. Review status: criteria provided, single submitter. Criteria: CeGaT Center For Human Genetics Tuebingen Variant Classification Criteria Version 2. Collection method: clinical testing. Allele origin: germline. Affected: yes. Observed: 11 variant alleles.
Comment: DENND5A: BP4, BS2

Blueprint Genetics
Classification: Likely benign. Last evaluated: 2024-11-26. Review status: criteria provided, single submitter. Criteria: ACMG Guidelines, 2015. Collection method: clinical testing. Allele origin: germline.

PreventionGenetics, part of Exact Sciences
Classification: Benign for DENND5A-related condition. Last evaluated: 2019-08-02. Review status: no assertion criteria provided. Collection method: clinical testing. Allele origin: germline. Not counted in ClinVar's aggregate classification.
Comment: This variant is classified as benign based on ACMG/AMP sequence variant interpretation guidelines (Richards et al. 2015 PMID: 25741868, with internal and published modifications).